The following is an entry in ClinVar:

ClinVar aggregate classification (germline): Likely benign (1 of 4 stars; one submission).

Submission:

GeneDx
Classification: Likely benign. Last evaluated: 2018-05-29. Review status: criteria provided, single submitter. Criteria: GeneDx Variant Classification (06012015). Collection method: clinical testing. Allele origin: germline. Affected: yes.
Comment: This variant is considered likely benign or benign based on one or more of the following criteria: it is a conservative change, it occurs at a poorly conserved position in the protein, it is predicted to be benign by multiple in silico algorithms, and/or has population frequency not consistent with disease.

NM_152713.5(STT3A):c.1774+8A>G

Gene: STT3A (STT3 oligosaccharyltransferase complex catalytic subunit A; plus strand). Cytogenetic location: 11q24.2.
Variant type: single nucleotide variant.
Coding change: c.1774+8A>G on transcript NM_152713.5 (MANE Select); 8 bases into the intron after coding-DNA position 1774, A replaced by G.
Molecular consequence: intron variant.
Genome position (GRCh38, 1-based): chr11:125,614,434, A>G. VCF-style: chr11-125614434-A-G. GRCh37 (hg19) VCF-style: chr11-125484329-A-G.
Other names: c.1774+8A>G (NM_001278503.2); c.1498+8A>G (NM_001278504.2).
Identifiers: ClinVar variation 668214 (VCV000668214.1), dbSNP rs1591379878, ClinGen allele CA915947789.